The following is an entry in ClinVar:

ClinVar aggregate classification (germline): Uncertain significance. Review status: criteria provided, multiple submitters, no conflicts (2 of 4 stars). 2 submissions from 2 submitters: Uncertain significance (2). Last evaluated 2023-12-04.

Conditions:
Hereditary cancer-predisposing syndrome. Also called: Tumor predisposition; Hereditary Cancer Syndrome; Neoplastic Syndromes, Hereditary; Hereditary neoplastic syndrome. Identifiers: Orphanet 140162, MedGen C0027672, MeSH D009386, MONDO:0015356.

Submissions (2):

Color Diagnostics, LLC DBA Color Health
Classification: Uncertain significance for Hereditary cancer-predisposing syndrome. Last evaluated: 2023-12-04. Review status: criteria provided, single submitter. Criteria: ACMG Guidelines, 2015. Collection method: clinical testing. Allele origin: germline.
Comment: This missense variant replaces glycine with aspartic acid at codon 693 of the CDH1 protein. To our knowledge, functional studies have not been reported for this variant. This variant has not been reported in individuals affected with hereditary cancer in the literature. This variant has not been identified in the general population by the Genome Aggregation Database (gnomAD). The available evidence is insufficient to determine the role of this variant in disease conclusively. Therefore, this variant is classified as a Variant of Uncertain Significance.

Ambry Genetics
Classification: Uncertain significance for Hereditary cancer-predisposing syndrome. Last evaluated: 2023-10-02. Review status: criteria provided, single submitter. Criteria: Ambry Variant Classification Scheme 2023. Collection method: clinical testing. Allele origin: germline.
Comment: The c.2076_2078delTGGinsCGA variant (also known as p.G693D), located in coding exon 13 of the CDH1 gene, results from an in-frame deletion of TGG and insertion of CGA at nucleotide positions 2076 to 2078. This results in the substitution of the glycine residue for a aspartic acid residue at codon 693, an amino acid with similar properties. This amino acid position is poorly conserved in available vertebrate species. In addition, this alteration is predicted to be neutral by in silico analysis (Choi Y et al. PLoS ONE. 2012; 7(10):e46688). Since supporting evidence is limited at this time, the clinical significance of this alteration remains unclear.

NM_004360.5(CDH1):c.2076_2078delinsCGA (p.Gly693Asp)

Gene: CDH1 (cadherin 1; plus strand). Cytogenetic location: 16q22.1.
Variant type: Indel.
Coding change: c.2076_2078delinsCGA on transcript NM_004360.5 (MANE Select); coding-DNA positions 2076 to 2078, TGG replaced by CGA.
Protein change: p.Gly693Asp; replaces glycine 693 with aspartic acid.
Molecular consequence: missense variant.
Genome position (GRCh38, 1-based): chr16:68,823,538-68,823,540, TGG replaced by CGA. VCF-style: chr16-68823538-TGG-CGA. GRCh37 (hg19) VCF-style: chr16-68857441-TGG-CGA.
Other names: c.1893_1895delinsCGA, p.Gly632Asp (NM_001317184.2); c.528_530delinsCGA, p.Gly177Asp (NM_001317185.2); c.111_113delinsCGA, p.Gly38Asp (NM_001317186.2); c.2076_2078delTGGinsCGA (NM_004360.3); short protein forms G177D, G38D, G632D, G693D.
Identifiers: ClinVar variation 1332011 (VCV001332011.5), dbSNP rs2152139518, ClinGen allele CA2573054266.